The following is an entry in ClinVar:

ClinVar aggregate classification (germline): Uncertain significance. Review status: criteria provided, multiple submitters, no conflicts (2 of 4 stars). 2 submissions from 2 submitters: Uncertain significance (2). Last evaluated 2024-07-16.

Conditions:
Epilepsy, idiopathic generalized, susceptibility to, 13. Also called: EPILEPSY, JUVENILE MYOCLONIC, SUSCEPTIBILITY TO, 5. Identifiers: Orphanet 307, Orphanet 64280, MedGen C4013473, MONDO:0012627, OMIM 611136.
Developmental and epileptic encephalopathy, 19 (DEE19). Also called: Epileptic encephalopathy, early infantile, 19. Identifiers: Orphanet 33069, MedGen C3810400, MONDO:0014328, OMIM 615744.
Epilepsy, childhood absence 4 (ECA4). Also called: EPILEPSY, CHILDHOOD ABSENCE, SUSCEPTIBILITY TO, 4. Identifiers: Orphanet 307, MedGen C1970160.
Idiopathic generalized epilepsy. Also called: Generalised epilepsy; EIG. Identifiers: MedGen C0270850, MONDO:0005579, OMIM 600669.

Submissions (2):

Labcorp Genetics (formerly Invitae), Labcorp
Classification: Uncertain significance for Epilepsy, childhood absence 4; Epilepsy, idiopathic generalized, susceptibility to, 13; Idiopathic generalized epilepsy. Last evaluated: 2024-07-16. Review status: criteria provided, single submitter. Criteria: Invitae Variant Classification Sherloc (09022015). Collection method: clinical testing. Allele origin: germline.
Comment: This sequence change replaces glycine, which is neutral and non-polar, with glutamic acid, which is acidic and polar, at codon 27 of the GABRA1 protein (p.Gly27Glu). This variant is not present in population databases (gnomAD no frequency). This variant has not been reported in the literature in individuals affected with GABRA1-related conditions. ClinVar contains an entry for this variant (Variation ID: 626110). Advanced modeling of protein sequence and biophysical properties (such as structural, functional, and spatial information, amino acid conservation, physicochemical variation, residue mobility, and thermodynamic stability) performed at Invitae indicates that this missense variant is not expected to disrupt GABRA1 protein function with a negative predictive value of 95%. In summary, the available evidence is currently insufficient to determine the role of this variant in disease. Therefore, it has been classified as a Variant of Uncertain Significance.

Center for Genomics, Ann and Robert H. Lurie Children's Hospital of Chicago
Classification: Uncertain significance for Epilepsy, idiopathic generalized, susceptibility to, 13; Developmental and epileptic encephalopathy, 19. Review status: criteria provided, single submitter. Criteria: ACMG Guidelines, 2015. Collection method: clinical testing. Allele origin: germline.
Comment: GABRA1 NM_000806.5 exon 4 p.Gly27Glu (c.80G>A): This variant has not been reported in the literature and is not present in large control databases. Evolutionary conservation and computational predictive tools for this variant are unclear. In summary, data on this variant is insufficient for disease classification. Therefore, the clinical significance of this variant is uncertain.

NM_001127644.2(GABRA1):c.80G>A (p.Gly27Glu)

Gene: GABRA1 (gamma-aminobutyric acid type A receptor subunit alpha1; plus strand). Cytogenetic location: 5q34.
Variant type: single nucleotide variant.
Coding change: c.80G>A on transcript NM_001127644.2 (MANE Select); coding-DNA position 80, G replaced by A.
Protein change: p.Gly27Glu; replaces glycine 27 with glutamic acid.
Molecular consequence: missense variant.
Genome position (GRCh38, 1-based): chr5:161,854,163, G>A. VCF-style: chr5-161854163-G-A. GRCh37 (hg19) VCF-style: chr5-161281169-G-A.
Other names: c.80G>A, p.Gly27Glu (NM_000806.5, NM_001127643.2, NM_001127645.2 and 1 more transcripts); short protein forms G27E.
Identifiers: ClinVar variation 626110 (VCV000626110.5), dbSNP rs866861998, ClinGen allele CA131082509.